The following is an entry in ClinVar:

ClinVar aggregate classification (germline): Uncertain significance (1 of 4 stars; one submission).

Conditions:
Inborn genetic diseases. Identifiers: MedGen C0950123, MeSH D030342.

Submission:

Ambry Genetics
Classification: Uncertain significance for Inborn genetic diseases. Last evaluated: 2025-10-14. Review status: criteria provided, single submitter. Criteria: Ambry Variant Classification Scheme 2023. Collection method: clinical testing. Allele origin: germline.
Comment: The p.A45V variant (also known as c.134C>T), located in coding exon 1 of the WT1 gene, results from a C to T substitution at nucleotide position 134. The alanine at codon 45 is replaced by valine, an amino acid with similar properties. This amino acid position is conserved. In addition, this alteration is predicted to be tolerated by in silico analysis. Based on the available evidence, the clinical significance of this variant remains unclear.

NM_024426.6(WT1):c.149C>T (p.Ala50Val)

Genes: WT1 (WT1 transcription factor; minus strand), LOC107982234 (WT1/WT1-AS bi-directional promoter region; plus strand). Cytogenetic location: 11p13.
Variant type: single nucleotide variant.
Coding change: c.149C>T on transcript NM_024426.6 (MANE Select); coding-DNA position 149, C replaced by T.
Protein change: p.Ala50Val; replaces alanine 50 with valine.
Molecular consequence: missense variant. On other transcripts: 5 prime UTR variant (4), non-coding transcript variant (2).
Genome position (GRCh38, 1-based): chr11:32,435,212, G>A on the plus strand (C>T on the coding strand, the complement: WT1 is on the minus strand). VCF-style: chr11-32435212-G-A. GRCh37 (hg19) VCF-style: chr11-32456758-G-A.
Other names: c.149C>T, p.Ala50Val (NM_000378.6, NM_001407044.1, NM_001407045.1 and 6 more transcripts); c.-71C>T (NM_001429031.1, NM_001429032.1, NM_001429033.1 and 1 more transcripts); short protein forms A50V, A45V.
Identifiers: ClinVar variation 4634852 (VCV004634852.1).